The following is an entry in ClinVar:

NM_001394062.1(MACF1):c.16205_16207del (p.Glu5402del)

Gene: MACF1 (microtubule actin crosslinking factor 1; plus strand). Cytogenetic location: 1p34.3.
Variant type: Deletion.
Coding change: c.16205_16207del on transcript NM_001394062.1 (MANE Select); coding-DNA positions 16205 to 16207, 3 bases deleted (AAG; older notation c.16205_16207delAAG).
Protein change: p.Glu5402del; deletes glutamic acid 5402.
Molecular consequence: inframe deletion.
Genome position (GRCh38, 1-based): chr1:39,424,083-39,424,085, AAG deleted; deleting any 3 consecutive bases within chr1:39,424,081-39,424,085 gives the same sequence; the c. name uses the placement nearest the transcript's 3' end. VCF-style (leftmost placement, unchanged base first): chr1-39424080-CAGA-C. GRCh37 (hg19) VCF-style: chr1-39889752-CAGA-C.
Other names: c.4601_4603del, p.Glu1534del (NM_001397473.1); c.10019_10021del, p.Glu3340del (NM_012090.5); short protein forms E1534del, E3340del, E5402del.
Identifiers: ClinVar variation 4077227 (VCV004077227.1).

ClinVar aggregate classification (germline): Uncertain significance (1 of 4 stars; one submission).

Submission:

GeneDx
Classification: Uncertain significance. Last evaluated: 2025-02-26. Review status: criteria provided, single submitter. Criteria: GeneDx Variant Classification Process June 2021. Collection method: clinical testing. Allele origin: germline. Affected: yes.
Comment: Not observed at significant frequency in large population cohorts (gnomAD); In-frame deletion of 1 amino acid(s) in a non-repeat region; In silico analysis supports a deleterious effect on protein structure/function; Has not been previously published as pathogenic or benign to our knowledge